The following is an entry in ClinVar:

NM_001048174.2(MUTYH):c.1524C>T (p.His508=)

Gene: MUTYH (mutY DNA glycosylase; minus strand). Cytogenetic location: 1p34.1.
Variant type: single nucleotide variant.
Coding change: c.1524C>T on transcript NM_001048174.2 (MANE Select); coding-DNA position 1524, C replaced by T.
Protein change: p.His508=; no amino-acid change (histidine 508 retained).
Molecular consequence: synonymous variant. On other transcripts: non-coding transcript variant (2).
Genome position (GRCh38, 1-based): chr1:45,329,348, G>A on the plus strand (C>T on the coding strand, the complement: MUTYH is on the minus strand). VCF-style: chr1-45329348-G-A. GRCh37 (hg19) VCF-style: chr1-45795020-G-A.
Other names: c.1524C>T, p.His508= (NM_001048171.2, NM_001048173.2, NM_001293195.2); c.1527C>T, p.His509= (NM_001048172.2); c.1608C>T, p.His536= (NM_001128425.2); c.1569C>T, p.His523= (NM_001293190.2); c.1557C>T, p.His519= (NM_001293191.2); c.1248C>T, p.His416= (NM_001293192.2, NM_001293196.2); c.1179C>T, p.His393= (NM_001350650.2, NM_001350651.2); c.1599C>T, p.His533= (NM_012222.3).
Identifiers: ClinVar variation 392421 (VCV000392421.18), dbSNP rs779326923, ClinGen allele CA057057.

ClinVar aggregate classification (germline): Likely benign. Review status: criteria provided, multiple submitters, no conflicts (2 of 4 stars). 5 submissions from 5 submitters: Likely benign (4). 1 of the submissions does not count toward it. Last evaluated 2025-10-17.

Conditions:
MUTYH-related disorder. Also called: MUTYH-related condition; MUTYH-related disorders.
Hereditary cancer-predisposing syndrome. Also called: Tumor predisposition; Neoplastic Syndromes, Hereditary; Hereditary neoplastic syndrome; Hereditary Cancer Syndrome. Identifiers: Orphanet 140162, MedGen C0027672, MeSH D009386, MONDO:0015356.
Familial adenomatous polyposis 2. Also called: MYH-associated polyposis; FAP type 2; MUTYH-related attenuated familial adenomatous polyposis; MUTYH-associated polyposis; MUTYH Polyposis; Adenomas, multiple colorectal. Identifiers: Orphanet 220460, Orphanet 247798, MedGen C3272841, MONDO:0012041, OMIM 608456.

Allele frequency attached by ClinVar (database versions not stated): TOPMed below 0.00001; ExAC 0.00001; gnomAD 0.00001; gnomAD exomes 0.00002.
gnomAD v4.1: 5 of 1,614,108 alleles (0.00031%); highest among the groups gnomAD compares: East Asian, 0.0089%; no homozygotes.

Submissions (5):

Labcorp Genetics (formerly Invitae), Labcorp
Classification: Likely benign for Familial adenomatous polyposis 2. Last evaluated: 2025-10-17. Review status: criteria provided, single submitter. Criteria: Invitae Variant Classification Sherloc (09022015). Collection method: clinical testing. Allele origin: germline.

Color Diagnostics, LLC DBA Color Health
Classification: Likely benign for Hereditary cancer-predisposing syndrome. Last evaluated: 2025-06-30. Review status: criteria provided, single submitter. Criteria: ACMG Guidelines, 2015. Collection method: clinical testing. Allele origin: germline.

Ambry Genetics
Classification: Likely benign for Hereditary cancer-predisposing syndrome. Last evaluated: 2017-12-08. Review status: criteria provided, single submitter. Criteria: Ambry Variant Classification Scheme 2023. Collection method: clinical testing. Allele origin: germline.

GeneDx
Classification: Likely benign. Last evaluated: 2016-12-29. Review status: criteria provided, single submitter. Criteria: GeneDx Variant Classification (06012015). Collection method: clinical testing. Allele origin: germline. Affected: yes.
Comment: This variant is considered likely benign or benign based on one or more of the following criteria: it is a conservative change, it occurs at a poorly conserved position in the protein, it is predicted to be benign by multiple in silico algorithms, and/or has population frequency not consistent with disease.

PreventionGenetics, part of Exact Sciences
Classification: Likely benign for MUTYH-related condition. Last evaluated: 2021-12-06. Review status: no assertion criteria provided. Collection method: clinical testing. Allele origin: germline. Not counted in ClinVar's aggregate classification.
Comment: This variant is classified as likely benign based on ACMG/AMP sequence variant interpretation guidelines (Richards et al. 2015 PMID: 25741868, with internal and published modifications).